The following is an entry in ClinVar:

NM_004186.5(SEMA3F):c.326A>T (p.Lys109Met)

Gene: SEMA3F (semaphorin 3F; plus strand). Cytogenetic location: 3p21.31.
Variant type: single nucleotide variant.
Coding change: c.326A>T on transcript NM_004186.5 (MANE Select); coding-DNA position 326, A replaced by T.
Protein change: p.Lys109Met; replaces lysine 109 with methionine.
Molecular consequence: missense variant.
Genome position (GRCh38, 1-based): chr3:50,174,104, A>T. VCF-style: chr3-50174104-A-T. GRCh37 (hg19) VCF-style: chr3-50211537-A-T.
Other names: c.122A>T, p.Lys41Met (NM_001318798.2); c.326A>T, p.Lys109Met (NM_001318800.2); short protein forms K109M, K41M.
Identifiers: ClinVar variation 4999740 (VCV004999740.1).

ClinVar aggregate classification (germline): Uncertain significance (1 of 4 stars; one submission).

Conditions:
SEMA3F-related disorder. Also called: SEMA3F-related condition.

Submission:

PreventionGenetics, part of Exact Sciences
Classification: Uncertain significance for SEMA3F-related condition. Last evaluated: 2025-11-06. Review status: criteria provided, single submitter. Criteria: ACMG Guidelines, 2015. Collection method: clinical testing. Allele origin: germline.
Comment: The SEMA3F c.326A>T variant is predicted to result in the amino acid substitution p.Lys109Met. To our knowledge, this variant has not been reported in the literature or in a large population database (gnomAD), indicating this variant is rare. At this time, the clinical significance of this variant is uncertain due to the absence of conclusive functional and genetic evidence.